The following is an entry in ClinVar:

ClinVar aggregate classification (germline): Conflicting classifications of pathogenicity. Review status: criteria provided, conflicting classifications (1 of 4 stars). 2 submissions from 2 submitters: Likely pathogenic (1); Uncertain significance (1). Last evaluated 2022-08-05.

Conditions:
Inborn genetic diseases. Identifiers: MedGen C0950123, MeSH D030342.
Autism spectrum disorder. Also called: Autism spectrum disorders. Identifiers: MedGen C1510586, MeSH D000067877, MONDO:0005258.

Allele frequency attached by ClinVar (database versions not stated): TOPMed 0.00001; ExAC 0.00003; gnomAD exomes 0.00001.
gnomAD v4.1: 7 of 1,583,792 alleles (0.00044%); highest among the groups gnomAD compares: Middle Eastern, 0.017%; no homozygotes.

Submissions (2):

Department of Genetics, Rouen University Hospital, Normandy Center for Genomic and Personalized Medicine
Classification: Likely pathogenic for Autism spectrum disorder. Last evaluated: 2022-08-05. Review status: criteria provided, single submitter. Criteria: ACMG Guidelines, 2015. Collection method: clinical testing. Allele origin: maternal. Affected: yes.

Ambry Genetics
Classification: Uncertain significance for Inborn genetic diseases. Last evaluated: 2018-07-13. Review status: criteria provided, single submitter. Criteria: Ambry Variant Classification Scheme 2023. Collection method: clinical testing. Allele origin: germline.
Comment: The p.P76L variant (also known as c.227C>T), located in coding exon 1 of the TRAPPC9 gene, results from a C to T substitution at nucleotide position 227. The proline at codon 76 is replaced by leucine, an amino acid with similar properties. This amino acid position is not well conserved in available vertebrate species. In addition, this alteration is predicted to be tolerated by in silico analysis. Since supporting evidence is limited at this time, the clinical significance of this alteration remains unclear.

NM_031466.8(TRAPPC9):c.-68C>T

Gene: TRAPPC9 (trafficking protein particle complex subunit 9; minus strand). Cytogenetic location: 8q24.3.
Variant type: single nucleotide variant.
Coding change: c.-68C>T on transcript NM_031466.8; 68 bases upstream of the start codon, C replaced by T.
Molecular consequence: 5 prime UTR variant.
Genome position (GRCh38, 1-based): chr8:140,458,338, G>A on the plus strand (C>T on the coding strand, the complement: TRAPPC9 is on the minus strand). VCF-style: chr8-140458338-G-A. GRCh37 (hg19) VCF-style: chr8-141468437-G-A.
Identifiers: ClinVar variation 1788909 (VCV001788909.4), dbSNP rs763632823, ClinGen allele CA4893849.
Genomic context (GRCh38, chr8:140,458,338, plus strand): 5'-TACCAGTCCTTCAGGGCGCGCAGCTCAAATTTCACTTCCTCTGTGAAGCTCAGGGGTGGA[G>A]GCCCCGCGGAAGCCCACTGTGGATCCCTGCGGCACCCCCTGTGACCCTCACGGTACCCCC-3'